The following is an entry in ClinVar:

NM_138576.4(BCL11B):c.345C>T (p.Ile115=)

Gene: BCL11B (BCL11 transcription factor B; minus strand). Cytogenetic location: 14q32.2.
Variant type: single nucleotide variant.
Coding change: c.345C>T on transcript NM_138576.4 (MANE Select); coding-DNA position 345, C replaced by T.
Protein change: p.Ile115=; no amino-acid change (isoleucine 115 retained).
Molecular consequence: synonymous variant.
Genome position (GRCh38, 1-based): chr14:99,257,553, G>A on the plus strand (C>T on the coding strand, the complement: BCL11B is on the minus strand). VCF-style: chr14-99257553-G-A. GRCh37 (hg19) VCF-style: chr14-99723890-G-A.
Other names: c.342C>T, p.Ile114= (NM_001282237.2, NM_001282238.2); c.345C>T, p.Ile115= (NM_022898.3).
Identifiers: ClinVar variation 1603885 (VCV001603885.33), dbSNP rs201270106, ClinGen allele CA7339912.
Genomic context (GRCh38, chr14:99,257,553, plus strand): 5'-ACAGATGCCTTTCGTGGGTGAGAGCAGGTGGTCATCTTCGTCGGGGGTGACTTGGATCCC[G>A]ATCTCCACCGGCTCGGACACTTTCCTGAGCTCGGAGCGTGAGGAGGGTGGCGGGCTGTCC-3'
Protein context (NP_612808.1, residues 105-125): ELRKVSEPVE[Ile115=]GIQVTPDEDD

ClinVar aggregate classification (germline): Likely benign. Review status: criteria provided, multiple submitters, no conflicts (2 of 4 stars). 3 submissions from 3 submitters: Likely benign (3). Last evaluated 2025-08-17.

Allele frequency attached by ClinVar (database versions not stated): gnomAD exomes 0.00007 and 0.00009; ExAC 0.00009; gnomAD 0.00009 and 0.00010; TOPMed 0.00014; 1000 Genomes Project 30x 0.00016; 1000 Genomes Project 0.00020.
gnomAD v4.1: 131 of 1,614,028 alleles (0.0081%); highest among the groups gnomAD compares: Middle Eastern, 0.099%; 1 homozygote.

Submissions (3):

Labcorp Genetics (formerly Invitae), Labcorp
Classification: Likely benign. Last evaluated: 2025-08-17. Review status: criteria provided, single submitter. Criteria: Invitae Variant Classification Sherloc (09022015). Collection method: clinical testing. Allele origin: germline.

Blueprint Genetics
Classification: Likely benign. Last evaluated: 2024-05-10. Review status: criteria provided, single submitter. Criteria: ACMG Guidelines, 2015. Collection method: clinical testing. Allele origin: germline.

CeGaT Center for Human Genetics Tuebingen
Classification: Likely benign. Last evaluated: 2023-07-01. Review status: criteria provided, single submitter. Criteria: CeGaT Center For Human Genetics Tuebingen Variant Classification Criteria Version 2. Collection method: clinical testing. Allele origin: germline. Affected: yes. Observed: 2 variant alleles.
Comment: BCL11B: BP4, BP7